The following is an entry in ClinVar:

NM_001267550.2(TTN):c.42545_42563del (p.His14182fs)

Gene: TTN (titin; minus strand). Cytogenetic location: 2q31.2.
Variant type: Deletion.
Coding change: c.42545_42563del on transcript NM_001267550.2 (MANE Select); coding-DNA positions 42545 to 42563, 19 bases deleted (ATACAAGCAGAACAGTACT).
Protein change: p.His14182fs; shifts the reading frame from histidine 14182.
Molecular consequence: frameshift variant.
Genome position (GRCh38, 1-based): chr2:178,633,936-178,633,954, AGTACTGTTCTGCTTGTAT deleted on the plus strand (ATACAAGCAGAACAGTACT on the coding strand, the reverse complement: TTN is on the minus strand). VCF-style (leftmost placement, unchanged base first): chr2-178633935-GAGTACTGTTCTGCTTGTAT-G. GRCh37 (hg19) VCF-style: chr2-179498662-GAGTACTGTTCTGCTTGTAT-G.
Other names: c.34841_34859del, p.His11614fs (NM_133378.4); c.15725_15743del, p.His5242fs (NM_133432.3); c.15926_15944del, p.His5309fs (NM_133437.4); c.15350_15368del, p.His5117fs (NM_003319.4); c.37622_37640del, p.His12541fs (NM_001256850.1); short protein forms H11614fs, H12541fs, H14182fs, H5117fs, H5242fs, H5309fs.
Identifiers: ClinVar variation 4813587 (VCV004813587.1).
Genomic context (GRCh38, chr2:178,633,935, plus strand): 5'-TATATCATCCAATGTCACTTCTTTCATTTCCAATTTGTGAGTCTTGCCCTCAGAAGAGAT[GAGTACTGTTCTGCTTGTAT>G]GGAGTTTGGCATCATTTTTGAACCAGACTACATGCATTTTTTCATGAGAAAGTTCACAAA-3'

ClinVar aggregate classification (germline): Pathogenic (1 of 4 stars; one submission).

Conditions:
Early-onset myopathy with fatal cardiomyopathy (CMYO5). Also called: Salih Myopathy; CONGENITAL MYOPATHY 5 WITH CARDIOMYOPATHY. Identifiers: Orphanet 289377, MedGen C2673677, MONDO:0012714, OMIM 611705. Disease mechanism: loss of function.

Submission:

Mendelics
Classification: Pathogenic for Early-onset myopathy with fatal cardiomyopathy. Last evaluated: 2026-03-05. Review status: criteria provided, single submitter. Criteria: ACMG Guidelines, 2015. Collection method: clinical testing. Allele origin: unknown.
Comment: Likely pathogenic/Pathogenic according to ACMG criteria.